The following is an entry in ClinVar:

NM_001042492.3(NF1):c.1582G>T (p.Gly528Trp)

Gene: NF1 (neurofibromin 1; plus strand). Cytogenetic location: 17q11.2.
Variant type: single nucleotide variant.
Coding change: c.1582G>T on transcript NM_001042492.3 (MANE Select); coding-DNA position 1582, G replaced by T.
Protein change: p.Gly528Trp; replaces glycine 528 with tryptophan.
Molecular consequence: missense variant.
Genome position (GRCh38, 1-based): chr17:31,219,059, G>T. VCF-style: chr17-31219059-G-T. GRCh37 (hg19) VCF-style: chr17-29546077-G-T.
Other names: c.1582G>T, p.Gly528Trp (NM_000267.4, NM_001128147.3); short protein forms G528W.
Identifiers: ClinVar variation 1520336 (VCV001520336.8), dbSNP rs2143986428, ClinGen allele CA399001930.

ClinVar aggregate classification (germline): Uncertain significance (1 of 4 stars; one submission).

Conditions:
Neurofibromatosis, type 1 (NF1). Also called: VON RECKLINGHAUSEN DISEASE; Neurofibromatosis, type I; Peripheral type neurofibromatosis; NEUROFIBROMATOSIS, TYPE I, SOMATIC. Identifiers: Orphanet 636, MedGen C0027831, MONDO:0018975, OMIM 162200. Disease mechanism: loss of function.

Submission:

Labcorp Genetics (formerly Invitae), Labcorp
Classification: Uncertain significance for Neurofibromatosis, type 1. Last evaluated: 2021-03-26. Review status: criteria provided, single submitter. Criteria: Invitae Variant Classification Sherloc (09022015). Collection method: clinical testing. Allele origin: germline.
Comment: In summary, the available evidence is currently insufficient to determine the role of this variant in disease. Therefore, it has been classified as a Variant of Uncertain Significance. Advanced modeling of protein sequence and biophysical properties (such as structural, functional, and spatial information, amino acid conservation, physicochemical variation, residue mobility, and thermodynamic stability) performed at Invitae indicates that this missense variant is expected to disrupt NF1 protein function. This variant has not been reported in the literature in individuals with NF1-related conditions. This variant is not present in population databases (ExAC no frequency). This sequence change replaces glycine with tryptophan at codon 528 of the NF1 protein (p.Gly528Trp). The glycine residue is moderately conserved and there is a large physicochemical difference between glycine and tryptophan.